The following is an entry in ClinVar:

NM_152564.5(VPS13B):c.9906G>A (p.Trp3302Ter)

Gene: VPS13B (vacuolar protein sorting 13 homolog B; plus strand). Cytogenetic location: 8q22.2.
Variant type: single nucleotide variant.
Coding change: c.9906G>A on transcript NM_152564.5 (MANE Select); coding-DNA position 9906, G replaced by A.
Protein change: p.Trp3302Ter; replaces tryptophan 3302 with a stop codon.
Molecular consequence: nonsense.
Genome position (GRCh38, 1-based): chr8:99,835,702, G>A. VCF-style: chr8-99835702-G-A. GRCh37 (hg19) VCF-style: chr8-100847930-G-A.
Other names: c.9981G>A, p.Trp3327Ter (NM_017890.5); short protein forms W3302*, W3327*.
Identifiers: ClinVar variation 813527 (VCV000813527.2), dbSNP rs1815354949, ClinGen allele CA371784776.

ClinVar aggregate classification (germline): Pathogenic. Review status: criteria provided, single submitter (1 of 4 stars). 2 submissions from 2 submitters: Pathogenic (1). 1 of the submissions does not count toward it. Last evaluated 2024-05-08.

Conditions:
Microcephaly. Also called: Microcephaly (disease). Identifiers: MedGen C4551563, MONDO:0001149, HP:0000252.
Cohen syndrome (COH1). Also called: PEPPER SYNDROME; Cutis verticis gyrata, retinitis pigmentosa, and sensorineural deafness. Identifiers: Orphanet 193, MedGen C0265223, MONDO:0008999, OMIM 216550.

Submissions (2):

Myriad Genetics, Inc.
Classification: Pathogenic for Cohen syndrome. Last evaluated: 2024-05-08. Review status: criteria provided, single submitter. Criteria: Myriad Autosomal Dominant, Autosomal Recessive and X-Linked Classification Criteria (2023). Collection method: clinical testing. Allele origin: unknown.
Comment: NM_017890.4(VPS13B):c.9981G>A(W3327*) is expected to be pathogenic in the context of Cohen syndrome. This variant is predicted to lead to an abnormal or absent protein product due to the creation of a premature termination codon in VPS13B, a gene where loss-of-function variants are known to be pathogenic. Please note: this variant was assessed in the context of healthy population screening.

Department of Pediatrics, Samsung Medical Center, Samsung Medical Center
Classification: Pathogenic for Microcephaly. Review status: no assertion criteria provided. Criteria: ACMG Guidelines, 2015. Collection method: research. Allele origin: maternal. Affected: yes. Not counted in ClinVar's aggregate classification.